The following is an entry in ClinVar:

NM_000122.2(ERCC3):c.1061C>T (p.Ala354Val)

Gene: ERCC3 (ERCC excision repair 3, TFIIH core complex helicase subunit; minus strand). Cytogenetic location: 2q14.3.
Variant type: single nucleotide variant.
Coding change: c.1061C>T on transcript NM_000122.2 (MANE Select); coding-DNA position 1061, C replaced by T.
Protein change: p.Ala354Val; replaces alanine 354 with valine.
Molecular consequence: missense variant.
Genome position (GRCh38, 1-based): chr2:127,286,984, G>A on the plus strand (C>T on the coding strand, the complement: ERCC3 is on the minus strand). VCF-style: chr2-127286984-G-A. GRCh37 (hg19) VCF-style: chr2-128044560-G-A.
Other names: c.869C>T, p.Ala290Val (NM_001303416.2, NM_001303418.2); short protein forms A290V, A354V.
Identifiers: ClinVar variation 2075544 (VCV002075544.4), dbSNP rs2468053663, ClinGen allele CA348390086.

ClinVar aggregate classification (germline): Uncertain significance (1 of 4 stars; one submission).

Submission:

Labcorp Genetics (formerly Invitae), Labcorp
Classification: Uncertain significance. Last evaluated: 2025-06-23. Review status: criteria provided, single submitter. Criteria: Invitae Variant Classification Sherloc (09022015). Collection method: clinical testing. Allele origin: germline.
Comment: This sequence change replaces alanine, which is neutral and non-polar, with valine, which is neutral and non-polar, at codon 354 of the ERCC3 protein (p.Ala354Val). This variant is not present in population databases (gnomAD no frequency). This variant has not been reported in the literature in individuals affected with ERCC3-related conditions. ClinVar contains an entry for this variant (Variation ID: 2075544). Invitae Evidence Modeling of protein sequence and biophysical properties (such as structural, functional, and spatial information, amino acid conservation, physicochemical variation, residue mobility, and thermodynamic stability) indicates that this missense variant is not expected to disrupt ERCC3 protein function with a negative predictive value of 80%. In summary, the available evidence is currently insufficient to determine the role of this variant in disease. Therefore, it has been classified as a Variant of Uncertain Significance.